The following is an entry in ClinVar:

ClinVar aggregate classification (germline): Uncertain significance. Review status: criteria provided, single submitter (1 of 4 stars). 2 submissions from 2 submitters: Uncertain significance (1). 1 of the submissions does not count toward it. Last evaluated 2024-11-11.

Conditions:
Usher syndrome type 1 (USH1). Also called: RETINITIS PIGMENTOSA AND CONGENITAL DEAFNESS. Identifiers: Orphanet 231169, Orphanet 886, MedGen C1568247, MONDO:0010168, OMIM 276900.

gnomAD v4.1: 1 of 1,613,750 alleles (0.000062%); highest among the groups gnomAD compares: Non-Finnish European, 0.000085%; no homozygotes.

Submissions (2):

Labcorp Genetics (formerly Invitae), Labcorp
Classification: Uncertain significance. Last evaluated: 2024-11-11. Review status: criteria provided, single submitter. Criteria: Invitae Variant Classification Sherloc (09022015). Collection method: clinical testing. Allele origin: germline.
Comment: This sequence change replaces alanine, which is neutral and non-polar, with proline, which is neutral and non-polar, at codon 2637 of the CDH23 protein (p.Ala2637Pro). This variant is not present in population databases (gnomAD no frequency). This missense change has been observed in individual(s) with Usher syndrome (internal data). ClinVar contains an entry for this variant (Variation ID: 1370792). Invitae Evidence Modeling of protein sequence and biophysical properties (such as structural, functional, and spatial information, amino acid conservation, physicochemical variation, residue mobility, and thermodynamic stability) has been performed for this missense variant. However, the output from this modeling did not meet the statistical confidence thresholds required to predict the impact of this variant on CDH23 protein function. In summary, the available evidence is currently insufficient to determine the role of this variant in disease. Therefore, it has been classified as a Variant of Uncertain Significance.

Natera, Inc.
Classification: Uncertain significance for Usher syndrome type 1. Last evaluated: 2025-03-13. Review status: no assertion criteria provided. Collection method: clinical testing. Allele origin: germline. Not counted in ClinVar's aggregate classification.

NM_022124.6(CDH23):c.7909G>C (p.Ala2637Pro)

Genes: CDH23 (cadherin related 23; plus strand), LOC111982869 (Sharpr-MPRA regulatory region 2121; plus strand). Cytogenetic location: 10q22.1.
Variant type: single nucleotide variant.
Coding change: c.7909G>C on transcript NM_022124.6 (MANE Select); coding-DNA position 7909, G replaced by C.
Protein change: p.Ala2637Pro; replaces alanine 2637 with proline.
Molecular consequence: missense variant.
Genome position (GRCh38, 1-based): chr10:71,805,842, G>C. VCF-style: chr10-71805842-G-C. GRCh37 (hg19) VCF-style: chr10-73565599-G-C.
Other names: c.1189G>C, p.Ala397Pro (NM_001171933.1, NM_001171934.1); c.7909G>C (NM_022124.5); short protein forms A397P, A2637P.
Identifiers: ClinVar variation 1370792 (VCV001370792.7), dbSNP rs1296248847, ClinGen allele CA377161936.